The following is an entry in ClinVar:

NM_000257.4(MYH7):c.1402T>C (p.Phe468Leu)

Gene: MYH7 (myosin heavy chain 7; minus strand). Cytogenetic location: 14q11.2.
Variant type: single nucleotide variant.
Coding change: c.1402T>C on transcript NM_000257.4 (MANE Select); coding-DNA position 1402, T replaced by C.
Protein change: p.Phe468Leu; replaces phenylalanine 468 with leucine.
Molecular consequence: missense variant.
Genome position (GRCh38, 1-based): chr14:23,428,960, A>G on the plus strand (T>C on the coding strand, the complement: MYH7 is on the minus strand). VCF-style: chr14-23428960-A-G. GRCh37 (hg19) VCF-style: chr14-23898169-A-G.
Other names: short protein forms F468L.
Identifiers: ClinVar variation 177821 (VCV000177821.4), dbSNP rs727504338, ClinGen allele CA010692.

ClinVar aggregate classification (germline): Uncertain significance (0 of 4 stars; one submission).

Submission:

Laboratory for Molecular Medicine, Mass General Brigham Personalized Medicine
Classification: Uncertain significance. Last evaluated: 2013-01-23. Review status: no assertion criteria provided. Collection method: clinical testing. Allele origin: germline. Observed: 1 variant allele.
Comment: proposed classification - variant undergoing re-assessment, contact laboratory